The following is an entry in ClinVar:

NM_000455.5(STK11):c.7G>A (p.Val3Met)

Gene: STK11 (serine/threonine kinase 11; plus strand). Cytogenetic location: 19p13.3.
Variant type: single nucleotide variant.
Coding change: c.7G>A on transcript NM_000455.5 (MANE Select); coding-DNA position 7, G replaced by A.
Protein change: p.Val3Met; replaces valine 3 with methionine.
Molecular consequence: missense variant.
Genome position (GRCh38, 1-based): chr19:1,206,920, G>A. VCF-style: chr19-1206920-G-A. GRCh37 (hg19) VCF-style: chr19-1206919-G-A.
Other names: short protein forms V3M.
Identifiers: ClinVar variation 419872 (VCV000419872.21), dbSNP rs906049559, ClinGen allele CA16620743.

ClinVar aggregate classification (germline): Uncertain significance. Review status: criteria provided, multiple submitters, no conflicts (2 of 4 stars). 7 submissions from 7 submitters: Uncertain significance (7). Last evaluated 2025-11-17.

Conditions:
Hereditary cancer-predisposing syndrome. Also called: Hereditary neoplastic syndrome; Hereditary Cancer Syndrome; Neoplastic Syndromes, Hereditary; Tumor predisposition. Identifiers: Orphanet 140162, MedGen C0027672, MeSH D009386, MONDO:0015356.
Melanoma, cutaneous malignant, susceptibility to, 1 (CMM1). Also called: MELANOMA, MALIGNANT; DYSPLASTIC NEVUS SYNDROME, HEREDITARY; FAMILIAL ATYPICAL MOLE-MALIGNANT MELANOMA SYNDROME; B-K MOLE SYNDROME. Identifiers: Orphanet 618, MedGen C1835047, MONDO:0007963, OMIM 155600.
Peutz-Jeghers syndrome (PJS). Also called: Peutz-Jeghers polyposis; Periorificial lentiginosis syndrome; POLYPOSIS, HAMARTOMATOUS INTESTINAL; POLYPS-AND-SPOTS SYNDROME. Identifiers: Orphanet 2869, MedGen C0031269, MeSH D010580, MONDO:0008280, OMIM 175200.

Allele frequency attached by ClinVar (database versions not stated): gnomAD exomes below 0.00001.
gnomAD v4.1: 1 of 1,581,672 alleles (0.000063%); highest among the groups gnomAD compares: Non-Finnish European, 0.000086%; no homozygotes.

Submissions (7):

Labcorp Genetics (formerly Invitae), Labcorp
Classification: Uncertain significance for Peutz-Jeghers syndrome. Last evaluated: 2025-11-17. Review status: criteria provided, single submitter. Criteria: Invitae Variant Classification Sherloc (09022015). Collection method: clinical testing. Allele origin: germline.
Comment: This sequence change replaces valine, which is neutral and non-polar, with methionine, which is neutral and non-polar, at codon 3 of the STK11 protein (p.Val3Met). This variant is not present in population databases (gnomAD no frequency). This variant has not been reported in the literature in individuals affected with STK11-related conditions. ClinVar contains an entry for this variant (Variation ID: 419872). Invitae Evidence Modeling of protein sequence and biophysical properties (such as structural, functional, and spatial information, amino acid conservation, physicochemical variation, residue mobility, and thermodynamic stability) indicates that this missense variant is not expected to disrupt STK11 protein function with a negative predictive value of 95%. In summary, the available evidence is currently insufficient to determine the role of this variant in disease. Therefore, it has been classified as a Variant of Uncertain Significance.

Ambry Genetics
Classification: Uncertain significance for Hereditary cancer-predisposing syndrome. Last evaluated: 2025-05-27. Review status: criteria provided, single submitter. Criteria: Ambry Variant Classification Scheme 2023. Collection method: clinical testing. Allele origin: germline.
Comment: The p.V3M variant (also known as c.7G>A), located in coding exon 1 of the STK11 gene, results from a G to A substitution at nucleotide position 7. The valine at codon 3 is replaced by methionine, an amino acid with highly similar properties. This amino acid position is not well conserved in available vertebrate species. In addition, this alteration is predicted to be tolerated by in silico analysis. Since supporting evidence is limited at this time, the clinical significance of this alteration remains unclear.

Baylor Genetics
Classification: Uncertain significance for Melanoma, cutaneous malignant, susceptibility to, 1. Last evaluated: 2024-02-06. Review status: criteria provided, single submitter. Criteria: ACMG Guidelines, 2015. Collection method: clinical testing. Allele origin: unknown.

GeneDx
Classification: Uncertain significance. Last evaluated: 2023-09-14. Review status: criteria provided, single submitter. Criteria: GeneDx Variant Classification Process June 2021. Collection method: clinical testing. Allele origin: germline. Affected: yes.
Comment: Not observed at significant frequency in large population cohorts (gnomAD); In silico analysis supports that this missense variant does not alter protein structure/function; Observed in patients with breast cancer but also in unaffected controls (Dorling et al., 2021); This variant is associated with the following publications: (PMID: 33471991)

Sema4
Classification: Uncertain significance for Hereditary cancer-predisposing syndrome. Last evaluated: 2021-10-22. Review status: criteria provided, single submitter. Criteria: Sema4 Curation Guidelines. Collection method: curation. Allele origin: germline.
Comment: The STK11 c.7G>A (p.V3M) variant has been reported in heterozygosity in at least one individual with breast cancer as well as unaffected controls (PMID: 33471991). This variant is not reported in the population database Genome Aggregation Database (PMID: 32461654). The variant has been reported in ClinVar (Variation ID 419872). In silico tools suggest the impact of the variant on protein function is benign, though these predictions have not been confirmed by functional studies. The evidence is insufficient to meet ACMG/AMP criteria for classifying the variant as benign or pathogenic. Thus, the clinical significance of this variant is currently uncertain.

Genome-Nilou Lab
Classification: Uncertain significance for Peutz-Jeghers syndrome. Last evaluated: 2021-07-15. Review status: criteria provided, single submitter. Criteria: ACMG Guidelines, 2015. Collection method: clinical testing. Allele origin: germline. Affected: no.

Color Diagnostics, LLC DBA Color Health
Classification: Uncertain significance for Hereditary cancer-predisposing syndrome. Last evaluated: 2019-04-25. Review status: criteria provided, single submitter. Criteria: ACMG Guidelines, 2015. Collection method: clinical testing. Allele origin: germline.

Literature cited by the submitters: PubMed 33471991 (cited by Sema4).